The following is an entry in ClinVar:

NM_001142800.2(EYS):c.7385dup (p.Phe2463fs)

Gene: EYS (EGF-like photoreceptor maintenance factor; minus strand). Cytogenetic location: 6q12.
Variant type: Duplication.
Coding change: c.7385dup on transcript NM_001142800.2 (MANE Select); coding-DNA position 7385, one base duplicated (T; older notation c.7385dupT).
Protein change: p.Phe2463fs; shifts the reading frame from phenylalanine 2463.
Molecular consequence: frameshift variant.
Genome position (GRCh38, 1-based): chr6:63,806,216, A duplicated on the plus strand (T on the coding strand, the reverse complement: EYS is on the minus strand). VCF-style (leftmost placement, unchanged base first): chr6-63806215-T-TA. GRCh37 (hg19) VCF-style: chr6-64516108-T-TA.
Other names: c.7385dup, p.Phe2463fs (NM_001292009.2); short protein forms F2463fs.
Identifiers: ClinVar variation 2086864 (VCV002086864.5), dbSNP rs2533573846, ClinGen allele CA450749263.

ClinVar aggregate classification (germline): Pathogenic/Likely pathogenic. Review status: criteria provided, multiple submitters, no conflicts (2 of 4 stars). 2 submissions from 2 submitters: Pathogenic (1); Likely pathogenic (1). Last evaluated 2023-07-28.

Conditions:
EYS-related disorder. Also called: EYS-related condition.

Allele frequency attached by ClinVar (database versions not stated): gnomAD exomes below 0.00001.

Submissions (2):

Labcorp Genetics (formerly Invitae), Labcorp
Classification: Pathogenic. Last evaluated: 2023-07-28. Review status: criteria provided, single submitter. Criteria: Invitae Variant Classification Sherloc (09022015). Collection method: clinical testing. Allele origin: germline.
Comment: For these reasons, this variant has been classified as Pathogenic. Algorithms developed to predict the effect of sequence changes on RNA splicing suggest that this variant may disrupt the consensus splice site. ClinVar contains an entry for this variant (Variation ID: 2086864). This variant has not been reported in the literature in individuals affected with EYS-related conditions. This variant is not present in population databases (gnomAD no frequency). This sequence change creates a premature translational stop signal (p.Phe2463Ilefs*14) in the EYS gene. It is expected to result in an absent or disrupted protein product. Loss-of-function variants in EYS are known to be pathogenic (PMID: 18836446, 20333770).

Blueprint Genetics
Classification: Likely pathogenic for EYS-related disorders. Last evaluated: 2021-11-12. Review status: criteria provided, single submitter. Criteria: ACMG Guidelines, 2015. Collection method: clinical testing. Allele origin: germline. Affected: yes. Observed: 1 variant allele.

Literature cited by the submitters: PubMed 18836446 (cited by Labcorp Genetics (formerly Invitae), Labcorp); PubMed 20333770 (cited by Labcorp Genetics (formerly Invitae), Labcorp).